The following is an entry in ClinVar:

NM_007294.4(BRCA1):c.5545G>C (p.Glu1849Gln)

Gene: BRCA1 (BRCA1 DNA repair associated; minus strand). Cytogenetic location: 17q21.31.
Variant type: single nucleotide variant.
Coding change: c.5545G>C on transcript NM_007294.4 (MANE Select); coding-DNA position 5545, G replaced by C.
Protein change: p.Glu1849Gln; replaces glutamic acid 1849 with glutamine.
Molecular consequence: missense variant. On other transcripts: 3 prime UTR variant (1), non-coding transcript variant (1).
Genome position (GRCh38, 1-based): chr17:43,045,725, C>G on the plus strand (G>C on the coding strand, the complement: BRCA1 is on the minus strand). VCF-style: chr17-43045725-C-G. GRCh37 (hg19) VCF-style: chr17-41197742-C-G.
Other names: c.2110G>C, p.Glu704Gln (NM_001408439.1, NM_001408440.1, NM_001408441.1 and 10 more transcripts); c.2107G>C, p.Glu703Gln (NM_001408445.1, NM_001408446.1, NM_001408447.1 and 2 more transcripts); c.2095G>C, p.Glu699Gln (NM_001408457.1, NM_001408452.1, NM_001408453.1 and 3 more transcripts); c.2092G>C, p.Glu698Gln (NM_001408458.1, NM_001408459.1, NM_001408460.1 and 7 more transcripts); c.2089G>C, p.Glu697Gln (NM_001408468.1, NM_001408469.1, NM_001408470.1); c.*59G>C (NM_001408472.1, NM_001408473.1, NM_007299.4 and 14 more transcripts); c.2035G>C, p.Glu679Gln (NM_001408474.1); c.2032G>C, p.Glu678Gln (NM_001408475.1, NM_001408476.1); and 74 more; short protein forms E1802Q, E1849Q, E745Q, E1870Q, E1552Q, E1720Q, E1736Q, E1760Q.
Identifiers: ClinVar variation 869029 (VCV000869029.3), dbSNP rs2050864747, ClinGen allele CA10590232.
Genomic context (GRCh38, chr17:43,045,725, plus strand): 5'-TGGCTGGCTGCAGTCAGTAGTGGCTGTGGGGGATCTGGGGTATCAGGTAGGTGTCCAGCT[C>G]CTGGCACTGGTAGAGTGCTACACTGTCCAACACCCACTCTCGGGTCACCACAGGTGCCTC-3'
Protein context (NP_009225.1, residues 1839-1859): LDSVALYQCQ[Glu1849Gln]LDTYLIPQIP

Conditions:
Breast-ovarian cancer, familial, susceptibility to, 1 (BROVCA1). Also called: BRCA1 Hereditary Breast and Ovarian Cancer; OVARIAN CANCER, SUSCEPTIBILITY TO. Identifiers: Orphanet 145, MedGen C2676676, MONDO:0011450, OMIM 604370. Disease mechanism: loss of function.

Submission:

Brotman Baty Institute, University of Washington
No classification provided (evidence only). Condition: Breast-ovarian cancer, familial 1. Review status: no classification provided. Collection method: in vitro. Allele origin: not applicable. Functional consequence: functionally_normal.
ClinVar note: "not provided" was previously submitted as the classification for the variant. However, the classification appeared to be based only on an observation of functional data so it was converted to no classification on 2025-07-30.